The following is an entry in ClinVar:

NM_018896.5(CACNA1G):c.3669C>T (p.Asp1223=)

Gene: CACNA1G (calcium voltage-gated channel subunit alpha1 G; plus strand). Cytogenetic location: 17q21.33.
Variant type: single nucleotide variant.
Coding change: c.3669C>T on transcript NM_018896.5 (MANE Select); coding-DNA position 3669, C replaced by T.
Protein change: p.Asp1223=; no amino-acid change (aspartic acid 1223 retained).
Molecular consequence: synonymous variant. On other transcripts: non-coding transcript variant (5).
Genome position (GRCh38, 1-based): chr17:50,599,838, C>T. VCF-style: chr17-50599838-C-T. GRCh37 (hg19) VCF-style: chr17-48677199-C-T.
Other names: c.3669C>T, p.Asp1223= (NM_198384.3, NM_198385.3, NM_198386.3 and 16 more transcripts); c.3600C>T, p.Asp1200= (NM_198387.3, NM_198388.3, NM_198396.3 and 5 more transcripts).
Identifiers: ClinVar variation 3026084 (VCV003026084.22), dbSNP rs372686733, ClinGen allele CA8652776.

ClinVar aggregate classification (germline): Likely benign (1 of 4 stars; one submission).

Allele frequency attached by ClinVar (database versions not stated): ExAC 0.00001; gnomAD 0.00001; TOPMed 0.00001; gnomAD exomes 0.00003; ESP Exome Variant Server 0.00008.

Submission:

CeGaT Center for Human Genetics Tuebingen
Classification: Likely benign. Last evaluated: 2024-02-01. Review status: criteria provided, single submitter. Criteria: CeGaT Center For Human Genetics Tuebingen Variant Classification Criteria Version 2. Collection method: clinical testing. Allele origin: germline. Affected: yes. Observed: 1 variant allele.
Comment: CACNA1G: BP4, BP7